The following is an entry in ClinVar:

ClinVar aggregate classification (germline): Uncertain significance (1 of 4 stars; one submission).

Submission:

Labcorp Genetics (formerly Invitae), Labcorp
Classification: Uncertain significance. Last evaluated: 2025-04-29. Review status: criteria provided, single submitter. Criteria: Invitae Variant Classification Sherloc (09022015). Collection method: clinical testing. Allele origin: germline.
Comment: This sequence change replaces arginine, which is basic and polar, with asparagine, which is neutral and polar, at codon 1276 of the COL2A1 protein (p.Arg1276Asn). Information on the frequency of this variant in the gnomAD database is not available, as this variant may be reported differently in the database. This variant has not been reported in the literature in individuals affected with COL2A1-related conditions. Experimental studies and prediction algorithms are not available or were not evaluated, and the functional significance of this variant is currently unknown. In summary, the available evidence is currently insufficient to determine the role of this variant in disease. Therefore, it has been classified as a Variant of Uncertain Significance.

NM_001844.5(COL2A1):c.3826_3827delinsAA (p.Arg1276Asn)

Gene: COL2A1 (collagen type II alpha 1 chain; minus strand). Cytogenetic location: 12q13.11.
Variant type: Indel.
Coding change: c.3826_3827delinsAA on transcript NM_001844.5 (MANE Select); coding-DNA positions 3826 to 3827, CG replaced by AA.
Protein change: p.Arg1276Asn; replaces arginine 1276 with asparagine.
Molecular consequence: missense variant.
Genome position (GRCh38, 1-based): chr12:47,975,376-47,975,377, CG replaced by TT on the plus strand (CG replaced by AA on the coding strand, the reverse complement: COL2A1 is on the minus strand). VCF-style: chr12-47975376-CG-TT. GRCh37 (hg19) VCF-style: chr12-48369159-CG-TT.
Other names: c.3619_3620delinsAA, p.Arg1207Asn (NM_033150.3); short protein forms R1207N, R1276N.
Identifiers: ClinVar variation 4694413 (VCV004694413.1).